The following is an entry in ClinVar:

ClinVar aggregate classification (germline): Uncertain significance (1 of 4 stars; one submission).

Submission:

Labcorp Genetics (formerly Invitae), Labcorp
Classification: Uncertain significance. Last evaluated: 2023-10-16. Review status: criteria provided, single submitter. Criteria: Invitae Variant Classification Sherloc (09022015). Collection method: clinical testing. Allele origin: germline.
Comment: This sequence change replaces glycine, which is neutral and non-polar, with valine, which is neutral and non-polar, at codon 380 of the GABRB1 protein (p.Gly380Val). Information on the frequency of this variant in the gnomAD database is not available, as this variant may be reported differently in the database. This variant has not been reported in the literature in individuals affected with GABRB1-related conditions. An algorithm developed to predict the effect of missense changes on protein structure and function (PolyPhen-2) suggests that this variant is likely to be tolerated. In summary, the available evidence is currently insufficient to determine the role of this variant in disease. Therefore, it has been classified as a Variant of Uncertain Significance.

NM_000812.4(GABRB1):c.1139_1140delinsTT (p.Gly380Val)

Gene: GABRB1 (gamma-aminobutyric acid type A receptor subunit beta1; plus strand). Cytogenetic location: 4p12.
Variant type: Indel.
Coding change: c.1139_1140delinsTT on transcript NM_000812.4 (MANE Select); coding-DNA positions 1139 to 1140, GC replaced by TT.
Protein change: p.Gly380Val; replaces glycine 380 with valine.
Molecular consequence: missense variant.
Genome position (GRCh38, 1-based): chr4:47,425,732-47,425,733, GC replaced by TT. VCF-style: chr4-47425732-GC-TT. GRCh37 (hg19) VCF-style: chr4-47427749-GC-TT.
Other names: short protein forms G380V.
Identifiers: ClinVar variation 2876860 (VCV002876860.3), dbSNP rs2475515554, ClinGen allele CA2739270054.